The following is an entry in ClinVar:

NM_001079872.2(CUL4B):c.239C>T (p.Thr80Ile)

Genes: CUL4B (cullin 4B; minus strand), LOC113845788 (Sharpr-MPRA regulatory region 11856; plus strand). Cytogenetic location: Xq24.
Variant type: single nucleotide variant.
Coding change: c.239C>T on transcript NM_001079872.2 (MANE Select); coding-DNA position 239, C replaced by T.
Protein change: p.Thr80Ile; replaces threonine 80 with isoleucine.
Molecular consequence: missense variant.
Genome position (GRCh38, 1-based): chrX:120,560,400, G>A on the plus strand (C>T on the coding strand, the complement: CUL4B is on the minus strand). VCF-style: chrX-120560400-G-A. GRCh37 (hg19) VCF-style: chrX-119694255-G-A.
Other names: c.254C>T, p.Thr85Ile (NM_001330624.2); c.293C>T, p.Thr98Ile (NM_003588.4); short protein forms T98I, T85I, T80I.
Identifiers: ClinVar variation 5008686 (VCV005008686.1).

ClinVar aggregate classification (germline): Uncertain significance (1 of 4 stars; one submission).

Submission:

GeneDx
Classification: Uncertain significance. Last evaluated: 2026-03-05. Review status: criteria provided, single submitter. Criteria: GeneDx Variant Classification Process June 2021. Collection method: clinical testing. Allele origin: germline.
Comment: Not observed at significant frequency in large population cohorts (gnomAD); In silico analysis suggests that this missense variant does not alter protein structure/function; Has not been previously published as pathogenic or benign to our knowledge